The following is an entry in ClinVar:

NM_001378457.1(DMXL2):c.1095C>T (p.Asn365=)

Gene: DMXL2 (Dmx like 2; minus strand). Cytogenetic location: 15q21.2.
Variant type: single nucleotide variant.
Coding change: c.1095C>T on transcript NM_001378457.1 (MANE Select); coding-DNA position 1095, C replaced by T.
Protein change: p.Asn365=; no amino-acid change (asparagine 365 retained).
Molecular consequence: synonymous variant. On other transcripts: non-coding transcript variant (2).
Genome position (GRCh38, 1-based): chr15:51,542,343, G>A on the plus strand (C>T on the coding strand, the complement: DMXL2 is on the minus strand). VCF-style: chr15-51542343-G-A. GRCh37 (hg19) VCF-style: chr15-51834540-G-A.
Other names: c.1095C>T, p.Asn365= (NM_001174116.3, NM_001174117.3, NM_001378458.1 and 7 more transcripts); c.1095C>T (NM_001174116.1).
Identifiers: ClinVar variation 1581550 (VCV001581550.9), dbSNP rs148151320, ClinGen allele CA7562675.
Genomic context (GRCh38, chr15:51,542,343, plus strand): 5'-TATTTACCTGACTTCAACATATTTATGGGAAATAAAACTTTATCCTTTACCTGTGGCAGG[G>A]TTGATGCTTGCTGCAATATGAAAATGACAGAGTGCATTTGCATGGTGGGAAATGTGTCTT-3'
Protein context (NP_001365386.1, residues 355-375): LCHFHIAASI[Asn365=]PATDIPNVLV

ClinVar aggregate classification (germline): Likely benign. Review status: criteria provided, multiple submitters, no conflicts (2 of 4 stars). 2 submissions from 2 submitters: Likely benign (2). Last evaluated 2026-09-11.

Conditions:
DMXL2-related disorder. Also called: DMXL2-related condition.

Allele frequency attached by ClinVar (database versions not stated): gnomAD exomes 0.00001 and 0.00002; ExAC 0.00003; ESP Exome Variant Server 0.00008; gnomAD 0.00008 and 0.00009; TOPMed 0.00011.
gnomAD v4.1: 17 of 1,613,188 alleles (0.0011%); highest among the groups gnomAD compares: African/African-American, 0.019%; no homozygotes.

Submissions (2):

PreventionGenetics, part of Exact Sciences
Classification: Likely benign for DMXL2-related condition. Last evaluated: 2026-09-11. Review status: criteria provided, single submitter. Criteria: ACMG Guidelines, 2015. Collection method: clinical testing. Allele origin: germline.
Comment: This variant is classified as likely benign based on ACMG/AMP sequence variant interpretation guidelines (Richards et al. 2015 PMID: 25741868, with internal and published modifications).

Labcorp Genetics (formerly Invitae), Labcorp
Classification: Likely benign. Last evaluated: 2025-04-14. Review status: criteria provided, single submitter. Criteria: Invitae Variant Classification Sherloc (09022015). Collection method: clinical testing. Allele origin: germline.